The following is an entry in ClinVar:

NM_001220.5(CAMK2B):c.283_284dup (p.Gly96fs)

Gene: CAMK2B (calcium/calmodulin dependent protein kinase II beta; minus strand). Cytogenetic location: 7p13.
Variant type: Duplication.
Coding change: c.283_284dup on transcript NM_001220.5 (MANE Select); coding-DNA positions 283 to 284, 2 bases duplicated (GG; older notation c.283_284dupGG).
Protein change: p.Gly96fs; shifts the reading frame from glycine 96.
Molecular consequence: frameshift variant.
Genome position (GRCh38, 1-based): chr7:44,254,599-44,254,600, CC duplicated on the plus strand (GG on the coding strand, the reverse complement: CAMK2B is on the minus strand). VCF-style (leftmost placement, unchanged base first): chr7-44254598-A-ACC. GRCh37 (hg19) VCF-style: chr7-44294197-A-ACC.
Other names: c.283_284dup, p.Gly96fs (NM_001293170.2, NM_172078.3, NM_172079.3 and 5 more transcripts); short protein forms G96fs.
Identifiers: ClinVar variation 4526500 (VCV004526500.1).

ClinVar aggregate classification (germline): Uncertain significance (1 of 4 stars; one submission).

Conditions:
Intellectual developmental disorder, autosomal dominant 54. Also called: MENTAL RETARDATION, AUTOSOMAL DOMINANT 54; Intellectual disability, autosomal dominant 54. Identifiers: MedGen C4540484, MONDO:0030920, OMIM 617799.

Submission:

MVZ Medizinische Genetik Mainz
Classification: Uncertain significance for Intellectual developmental disorder, autosomal dominant 54. Last evaluated: 2025-10-01. Review status: criteria provided, single submitter. Criteria: UK Practice Guidelines For Variant Classification V4 01 2020. Collection method: clinical testing. Allele origin: germline. Inheritance: Autosomal dominant inheritance. Affected: yes. Observed: 1 variant allele.
Comment: ACMG Criteria: PVS1_STR,PM2_SUP